The following is an entry in ClinVar:

ClinVar aggregate classification (germline): Uncertain significance (1 of 4 stars; one submission).

Submission:

Labcorp Genetics (formerly Invitae), Labcorp
Classification: Uncertain significance. Last evaluated: 2025-06-12. Review status: criteria provided, single submitter. Criteria: Invitae Variant Classification Sherloc (09022015). Collection method: clinical testing. Allele origin: germline.
Comment: This sequence change replaces leucine, which is neutral and non-polar, with valine, which is neutral and non-polar, at codon 23 of the IL21 protein (p.Leu23Val). This variant is present in population databases (rs758141360, gnomAD 0.007%). This variant has not been reported in the literature in individuals affected with IL21-related conditions. An algorithm developed to predict the effect of missense changes on protein structure and function outputs the following: PolyPhen-2: "Benign". The valine amino acid residue is found in multiple mammalian species, which suggests that this missense change does not adversely affect protein function. In summary, the available evidence is currently insufficient to determine the role of this variant in disease. Therefore, it has been classified as a Variant of Uncertain Significance.

NM_021803.4(IL21):c.67C>G (p.Leu23Val)

Genes: IL21 (interleukin 21; minus strand), IL21-AS1 (IL21 antisense RNA 1; plus strand), LOC126807147 (CDK7 strongly-dependent group 2 enhancer GRCh37_chr4:123541308-123542507; plus strand). Cytogenetic location: 4q27.
Variant type: single nucleotide variant.
Coding change: c.67C>G on transcript NM_021803.4 (MANE Select); coding-DNA position 67, C replaced by G.
Protein change: p.Leu23Val; replaces leucine 23 with valine.
Molecular consequence: missense variant. On other transcripts: non-coding transcript variant (1).
Genome position (GRCh38, 1-based): chr4:122,620,945, G>C on the plus strand (C>G on the coding strand, the complement: IL21 is on the minus strand). VCF-style: chr4-122620945-G-C. GRCh37 (hg19) VCF-style: chr4-123542100-G-C.
Other names: c.67C>G, p.Leu23Val (NM_001207006.3); short protein forms L23V.
Identifiers: ClinVar variation 4750777 (VCV004750777.1).